The following is an entry in ClinVar:

NM_032188.3(KAT8):c.1312+24C>G

Gene: KAT8 (lysine acetyltransferase 8; plus strand). Cytogenetic location: 16p11.2.
Variant type: single nucleotide variant.
Coding change: c.1312+24C>G on transcript NM_032188.3 (MANE Select); 24 bases into the intron after coding-DNA position 1312, C replaced by G.
Molecular consequence: intron variant. On other transcripts: missense variant (1).
Genome position (GRCh38, 1-based): chr16:31,130,924, C>G. VCF-style: chr16-31130924-C-G. GRCh37 (hg19) VCF-style: chr16-31142245-C-G.
Other names: c.1336C>G, p.Arg446Gly (NM_182958.4); short protein forms R446G.
Identifiers: ClinVar variation 2646470 (VCV002646470.25), dbSNP rs572043246, ClinGen allele CA8022182.

ClinVar aggregate classification (germline): Conflicting classifications of pathogenicity. Review status: criteria provided, conflicting classifications (1 of 4 stars). 2 submissions from 2 submitters: Uncertain significance (1); Likely benign (1). Last evaluated 2023-09-01.

Conditions:
Li-Ghorbani-Weisz-Hubshman syndrome. Identifiers: MedGen C5436525, MONDO:0033547, OMIM 618974.

Submissions (2):

CeGaT Center for Human Genetics Tuebingen
Classification: Likely benign. Last evaluated: 2023-09-01. Review status: criteria provided, single submitter. Criteria: CeGaT Center For Human Genetics Tuebingen Variant Classification Criteria Version 2. Collection method: clinical testing. Allele origin: germline. Affected: yes. Observed: 1 variant allele.
Comment: KAT8: BP4, BS2

Department of Pathology and Laboratory Medicine, Sinai Health System
Classification: Uncertain significance for Li-Ghorbani-Weisz-Hubshman syndrome. Last evaluated: 2023-09-01. Review status: criteria provided, single submitter. Criteria: ACMG Guidelines, 2015. Collection method: research. Allele origin: germline.